The following is an entry in ClinVar:

NM_006514.4(SCN10A):c.4622T>C (p.Val1541Ala)

Gene: SCN10A (sodium voltage-gated channel alpha subunit 10; minus strand). Cytogenetic location: 3p22.2.
Variant type: single nucleotide variant.
Coding change: c.4622T>C on transcript NM_006514.4 (MANE Select); coding-DNA position 4622, T replaced by C.
Protein change: p.Val1541Ala; replaces valine 1541 with alanine.
Molecular consequence: missense variant.
Genome position (GRCh38, 1-based): chr3:38,701,874, A>G on the plus strand (T>C on the coding strand, the complement: SCN10A is on the minus strand). VCF-style: chr3-38701874-A-G. GRCh37 (hg19) VCF-style: chr3-38743365-A-G.
Other names: c.4619T>C, p.Val1540Ala (NM_001293306.2); c.4328T>C, p.Val1443Ala (NM_001293307.2); short protein forms V1443A, V1540A, V1541A.
Identifiers: ClinVar variation 2057134 (VCV002057134.3), dbSNP rs1243691130, ClinGen allele CA352145744.

ClinVar aggregate classification (germline): Uncertain significance (1 of 4 stars; one submission).

Conditions:
Brugada syndrome. Also called: Sudden unexpected nocturnal death syndrome; Sudden unexplained nocturnal death syndrome; Sudden Unexplained Death Syndrome; Sudden Unexplained Nocturnal Death Syndrome (SUNDS). Identifiers: Orphanet 130, MedGen C1142166, MONDO:0015263.

Allele frequency attached by ClinVar (database versions not stated): gnomAD exomes 0.00001; TOPMed below 0.00001; gnomAD 0.00001.
gnomAD v4.1: 14 of 1,613,276 alleles (0.00087%); highest among the groups gnomAD compares: Non-Finnish European, 0.0012%; no homozygotes.

Submission:

Labcorp Genetics (formerly Invitae), Labcorp
Classification: Uncertain significance for Brugada syndrome. Last evaluated: 2024-12-16. Review status: criteria provided, single submitter. Criteria: Invitae Variant Classification Sherloc (09022015). Collection method: clinical testing. Allele origin: germline.
Comment: This sequence change replaces valine, which is neutral and non-polar, with alanine, which is neutral and non-polar, at codon 1541 of the SCN10A protein (p.Val1541Ala). This variant is not present in population databases (gnomAD no frequency). This variant has not been reported in the literature in individuals affected with SCN10A-related conditions. ClinVar contains an entry for this variant (Variation ID: 2057134). Invitae Evidence Modeling of protein sequence and biophysical properties (such as structural, functional, and spatial information, amino acid conservation, physicochemical variation, residue mobility, and thermodynamic stability) indicates that this missense variant is expected to disrupt SCN10A protein function with a positive predictive value of 80%. In summary, the available evidence is currently insufficient to determine the role of this variant in disease. Therefore, it has been classified as a Variant of Uncertain Significance.